The following is an entry in ClinVar:

NM_020297.4(ABCC9):c.4269A>T (p.Glu1423Asp)

Genes: ABCC9 (ATP binding cassette subfamily C member 9; minus strand), KCNJ8-AS1 (KCNJ8 antisense RNA 1; plus strand). Cytogenetic location: 12p12.1.
Variant type: single nucleotide variant.
Coding change: c.4269A>T on transcript NM_020297.4 (MANE Select); coding-DNA position 4269, A replaced by T.
Protein change: p.Glu1423Asp; replaces glutamic acid 1423 with aspartic acid.
Molecular consequence: missense variant.
Genome position (GRCh38, 1-based): chr12:21,809,898, T>A on the plus strand (A>T on the coding strand, the complement: ABCC9 is on the minus strand). VCF-style: chr12-21809898-T-A. GRCh37 (hg19) VCF-style: chr12-21962832-T-A.
Other names: c.4269A>T, p.Glu1423Asp (NM_001377273.1, NM_005691.4); c.3402A>T, p.Glu1134Asp (NM_001377274.1); c.4269A>T (NM_005691.2); short protein forms E1423D, E1134D.
Identifiers: ClinVar variation 844329 (VCV000844329.10), dbSNP rs1031284050, ClinGen allele CA233610898.

ClinVar aggregate classification (germline): Uncertain significance. Review status: criteria provided, multiple submitters, no conflicts (2 of 4 stars). 2 submissions from 2 submitters: Uncertain significance (2). Last evaluated 2026-08-16.

Conditions:
Cardiovascular phenotype. Identifiers: MedGen CN230736.
Dilated cardiomyopathy 1O (CMD1O). Also called: CARDIOMYOPATHY, DILATED, WITH VENTRICULAR TACHYCARDIA. Identifiers: Orphanet 154, MedGen C1837839, MONDO:0012062, OMIM 608569.

Allele frequency attached by ClinVar (database versions not stated): gnomAD exomes below 0.00001; TOPMed below 0.00001.
gnomAD v4.1: 5 of 1,612,796 alleles (0.00031%); highest among the groups gnomAD compares: East Asian, 0.0022%; no homozygotes.

Submissions (2):

Ambry Genetics
Classification: Uncertain significance for Cardiovascular phenotype. Last evaluated: 2026-08-16. Review status: criteria provided, single submitter. Criteria: Ambry Variant Classification Scheme 2023. Collection method: clinical testing. Allele origin: germline.
Comment: The p.E1423D variant (also known as c.4269A>T), located in coding exon 35 of the ABCC9 gene, results from an A to T substitution at nucleotide position 4269. The glutamic acid at codon 1423 is replaced by aspartic acid, an amino acid with highly similar properties. This amino acid position is conserved. In addition, the in silico prediction for this alteration is inconclusive. Based on the available evidence, the clinical significance of this variant remains unclear.

Labcorp Genetics (formerly Invitae), Labcorp
Classification: Uncertain significance for Dilated cardiomyopathy 1O. Last evaluated: 2023-12-11. Review status: criteria provided, single submitter. Criteria: Invitae Variant Classification Sherloc (09022015). Collection method: clinical testing. Allele origin: germline.
Comment: This sequence change replaces glutamic acid, which is acidic and polar, with aspartic acid, which is acidic and polar, at codon 1423 of the ABCC9 protein (p.Glu1423Asp). This variant is not present in population databases (gnomAD no frequency). This variant has not been reported in the literature in individuals affected with ABCC9-related conditions. ClinVar contains an entry for this variant (Variation ID: 844329). Advanced modeling of protein sequence and biophysical properties (such as structural, functional, and spatial information, amino acid conservation, physicochemical variation, residue mobility, and thermodynamic stability) has been performed at Invitae for this missense variant, however the output from this modeling did not meet the statistical confidence thresholds required to predict the impact of this variant on ABCC9 protein function. In summary, the available evidence is currently insufficient to determine the role of this variant in disease. Therefore, it has been classified as a Variant of Uncertain Significance.